The following is an entry in ClinVar:

NM_001184.4(ATR):c.596T>C (p.Met199Thr)

Gene: ATR (ATR serine/threonine kinase; minus strand). Cytogenetic location: 3q23.
Variant type: single nucleotide variant.
Coding change: c.596T>C on transcript NM_001184.4 (MANE Select); coding-DNA position 596, T replaced by C.
Protein change: p.Met199Thr; replaces methionine 199 with threonine.
Molecular consequence: missense variant.
Genome position (GRCh38, 1-based): chr3:142,562,806, A>G on the plus strand (T>C on the coding strand, the complement: ATR is on the minus strand). VCF-style: chr3-142562806-A-G. GRCh37 (hg19) VCF-style: chr3-142281648-A-G.
Other names: c.596T>C, p.Met199Thr (NM_001354579.2); short protein forms M199T.
Identifiers: ClinVar variation 3463290 (VCV003463290.1).

ClinVar aggregate classification (germline): Uncertain significance (1 of 4 stars; one submission).

Conditions:
Inborn genetic diseases. Identifiers: MedGen C0950123, MeSH D030342.

Submission:

Ambry Genetics
Classification: Uncertain significance for Inborn genetic diseases. Last evaluated: 2024-10-31. Review status: criteria provided, single submitter. Criteria: Ambry Variant Classification Scheme 2023. Collection method: clinical testing. Allele origin: germline.
Comment: The p.M199T variant (also known as c.596T>C), located in coding exon 4 of the ATR gene, results from a T to C substitution at nucleotide position 596. The methionine at codon 199 is replaced by threonine, an amino acid with similar properties. This amino acid position is conserved. In addition, this alteration is predicted to be tolerated by in silico analysis. Based on the available evidence, the clinical significance of this variant remains unclear.